The following is an entry in ClinVar:

NM_001267550.2(TTN):c.102257G>C (p.Arg34086Thr)

Genes: TTN-AS1 (TTN antisense RNA 1; plus strand), TTN (titin; minus strand). Cytogenetic location: 2q31.2.
Variant type: single nucleotide variant.
Coding change: c.102257G>C on transcript NM_001267550.2 (MANE Select); coding-DNA position 102257, G replaced by C.
Protein change: p.Arg34086Thr; replaces arginine 34086 with threonine.
Molecular consequence: missense variant.
Genome position (GRCh38, 1-based): chr2:178,534,358, C>G on the plus strand (G>C on the coding strand, the complement: TTN is on the minus strand). VCF-style: chr2-178534358-C-G. GRCh37 (hg19) VCF-style: chr2-179399085-C-G.
Other names: c.97334G>C, p.Arg32445Thr (NM_001256850.1); c.75062G>C, p.Arg25021Thr (NM_003319.4); c.94553G>C, p.Arg31518Thr (NM_133378.4); c.75437G>C, p.Arg25146Thr (NM_133432.3); c.75638G>C, p.Arg25213Thr (NM_133437.4); short protein forms R25021T, R25146T, R25213T, R31518T, R32445T, R34086T.
Identifiers: ClinVar variation 1001831 (VCV001001831.9), dbSNP rs569650065, ClinGen allele CA1985782.

ClinVar aggregate classification (germline): Uncertain significance (1 of 4 stars; one submission).

Conditions:
Dilated cardiomyopathy 1G (CMD1G). Identifiers: Orphanet 154, MedGen C1858763, MONDO:0011400, OMIM 604145.
Autosomal recessive limb-girdle muscular dystrophy type 2J (LGMDR10). Also called: Limb-girdle muscular dystrophy, type 2J; MUSCULAR DYSTROPHY, LIMB-GIRDLE, AUTOSOMAL RECESSIVE 10. Identifiers: Orphanet 140922, MedGen C1837342, MONDO:0012127, OMIM 608807.

Allele frequency attached by ClinVar (database versions not stated): gnomAD exomes 0.00001; ExAC 0.00002; TOPMed 0.00002; gnomAD 0.00003; 1000 Genomes Project 30x 0.00016; 1000 Genomes Project 0.00020.
gnomAD v4.1: 8 of 1,611,726 alleles (0.0005%); highest among the groups gnomAD compares: African/African-American, 0.0093%; no homozygotes.

Submission:

Labcorp Genetics (formerly Invitae), Labcorp
Classification: Uncertain significance for Dilated cardiomyopathy 1G; Autosomal recessive limb-girdle muscular dystrophy type 2J. Last evaluated: 2025-09-22. Review status: criteria provided, single submitter. Criteria: Invitae Variant Classification Sherloc (09022015). Collection method: clinical testing. Allele origin: germline.
Comment: This sequence change replaces arginine, which is basic and polar, with threonine, which is neutral and polar, at codon 34086 of the TTN protein (p.Arg34086Thr). This variant is present in population databases (rs569650065, gnomAD 0.02%). This variant has not been reported in the literature in individuals affected with TTN-related conditions. ClinVar contains an entry for this variant (Variation ID: 1001831). Experimental studies and prediction algorithms are not available or were not evaluated, and the functional significance of this variant is currently unknown. This variant is located in the M band of TTN (PMID: 25589632). Non-truncating variants in this region may be relevant for neuromuscular disorders, but have not been definitively shown to cause cardiomyopathy (PMID: 23975875). In summary, the available evidence is currently insufficient to determine the role of this variant in disease. Therefore, it has been classified as a Variant of Uncertain Significance.

Literature cited by the submitters: PubMed 25589632; PubMed 23975875.